The following is an entry in ClinVar:

NM_004218.4(RAB11B):c.258C>T (p.Gly86=)

Gene: RAB11B (RAB11B, member RAS oncogene family; plus strand). Cytogenetic location: 19p13.2.
Variant type: single nucleotide variant.
Coding change: c.258C>T on transcript NM_004218.4 (MANE Select); coding-DNA position 258, C replaced by T.
Protein change: p.Gly86=; no amino-acid change (glycine 86 retained).
Molecular consequence: synonymous variant.
Genome position (GRCh38, 1-based): chr19:8,402,107, C>T. VCF-style: chr19-8402107-C-T. GRCh37 (hg19) VCF-style: chr19-8466991-C-T.
Identifiers: ClinVar variation 790203 (VCV000790203.16), dbSNP rs2230875, ClinGen allele CA9156328.

ClinVar aggregate classification (germline): Benign. Review status: criteria provided, multiple submitters, no conflicts (2 of 4 stars). 4 submissions from 4 submitters: Benign (3). 1 of the submissions does not count toward it. Last evaluated 2026-02-02.

Conditions:
RAB11B-related disorder. Also called: RAB11B-related condition.

Allele frequency attached by ClinVar (database versions not stated): gnomAD exomes 0.00148 and 0.00375; ExAC 0.00917; gnomAD 0.01569 and 0.01671; 1000 Genomes Project 0.01657; TOPMed 0.01698; 1000 Genomes Project 30x 0.01827; ESP Exome Variant Server 0.01853.
gnomAD v4.1: 4,621 of 1,602,404 alleles (0.29%); highest among the groups gnomAD compares: African/African-American, 5.3%; 124 homozygotes.

Submissions (4):

Labcorp Genetics (formerly Invitae), Labcorp
Classification: Benign. Last evaluated: 2026-02-02. Review status: criteria provided, single submitter. Criteria: Invitae Variant Classification Sherloc (09022015). Collection method: clinical testing. Allele origin: germline.

GeneDx
Classification: Benign. Last evaluated: 2021-05-09. Review status: criteria provided, single submitter. Criteria: GeneDx Variant Classification Process June 2021. Collection method: clinical testing. Allele origin: germline. Affected: yes.

Breakthrough Genomics
Classification: Benign. Review status: criteria provided, single submitter. Criteria: ACMG Guidelines, 2015. Collection method: not provided. Allele origin: germline. Inheritance: Autosomal dominant inheritance. Affected: yes.

PreventionGenetics, part of Exact Sciences
Classification: Benign for RAB11B-related condition. Last evaluated: 2023-12-18. Review status: no assertion criteria provided. Collection method: clinical testing. Allele origin: germline. Not counted in ClinVar's aggregate classification.
Comment: This variant is classified as benign based on ACMG/AMP sequence variant interpretation guidelines (Richards et al. 2015 PMID: 25741868, with internal and published modifications).